The following is an entry in ClinVar:

NM_005612.5(REST):c.1279C>T (p.Leu427=)

Gene: REST (RE1 silencing transcription factor; plus strand). Cytogenetic location: 4q12.
Variant type: single nucleotide variant.
Coding change: c.1279C>T on transcript NM_005612.5 (MANE Select); coding-DNA position 1279, C replaced by T.
Protein change: p.Leu427=; no amino-acid change (leucine 427 retained).
Molecular consequence: synonymous variant.
Genome position (GRCh38, 1-based): chr4:56,930,137, C>T. VCF-style: chr4-56930137-C-T. GRCh37 (hg19) VCF-style: chr4-57796303-C-T.
Other names: c.1279C>T, p.Leu427= (NM_001193508.2, NM_001363453.3).
Identifiers: ClinVar variation 1143239 (VCV001143239.21), dbSNP rs377741166, ClinGen allele CA2932237.
Genomic context (GRCh38, chr4:56,930,137, plus strand): 5'-CACTTCAAATCTAAGCATCCTACTTGTCCTAATAAAACAATGGATGTCTCAAAAGTGAAA[C>T]TAAAGAAAACCAAAAAACGAGAGGCTGACTTGCCTGATAATATTACCAATGAAAAAACAG-3'
Protein context (NP_005603.3, residues 417-437): NKTMDVSKVK[Leu427=]KKTKKREADL

ClinVar aggregate classification (germline): Likely benign. Review status: criteria provided, multiple submitters, no conflicts (2 of 4 stars). 3 submissions from 3 submitters: Likely benign (2). 1 of the submissions does not count toward it. Last evaluated 2026-01-14.

Conditions:
REST-related disorder. Also called: REST-related condition.

Allele frequency attached by ClinVar (database versions not stated): gnomAD 0.00007 and 0.00010; ExAC 0.00013; gnomAD exomes 0.00014; TOPMed 0.00014; ESP Exome Variant Server 0.00023.
gnomAD v4.1: 446 of 1,613,228 alleles (0.028%); highest among the groups gnomAD compares: Non-Finnish European, 0.035%; no homozygotes.

Submissions (3):

Labcorp Genetics (formerly Invitae), Labcorp
Classification: Likely benign. Last evaluated: 2026-01-14. Review status: criteria provided, single submitter. Criteria: Invitae Variant Classification Sherloc (09022015). Collection method: clinical testing. Allele origin: germline.

CeGaT Center for Human Genetics Tuebingen
Classification: Likely benign. Last evaluated: 2025-06-01. Review status: criteria provided, single submitter. Criteria: CeGaT Center For Human Genetics Tuebingen Variant Classification Criteria Version 2. Collection method: clinical testing. Allele origin: germline. Affected: yes. Observed: 1 variant allele.
Comment: REST: BP4, BP7

PreventionGenetics, part of Exact Sciences
Classification: Likely benign for REST-related condition. Last evaluated: 2022-07-07. Review status: no assertion criteria provided. Collection method: clinical testing. Allele origin: germline. Not counted in ClinVar's aggregate classification.
Comment: This variant is classified as likely benign based on ACMG/AMP sequence variant interpretation guidelines (Richards et al. 2015 PMID: 25741868, with internal and published modifications).